The following is an entry in ClinVar:

NM_002972.4(SBF1):c.1360C>T (p.Arg454Trp)

Gene: SBF1 (SET binding factor 1; minus strand). Cytogenetic location: 22q13.33.
Variant type: single nucleotide variant.
Coding change: c.1360C>T on transcript NM_002972.4 (MANE Select); coding-DNA position 1360, C replaced by T.
Protein change: p.Arg454Trp; replaces arginine 454 with tryptophan.
Molecular consequence: missense variant.
Genome position (GRCh38, 1-based): chr22:50,464,890, G>A on the plus strand (C>T on the coding strand, the complement: SBF1 is on the minus strand). VCF-style: chr22-50464890-G-A. GRCh37 (hg19) VCF-style: chr22-50903319-G-A.
Other names: c.1363C>T, p.Arg455Trp (NM_001365819.1, NM_001410794.1); c.1360C>T, p.Arg454Trp (NM_001410795.1, NM_197971.1); short protein forms R455W, R454W.
Identifiers: ClinVar variation 2085681 (VCV002085681.1), dbSNP rs201158908, ClinGen allele CA10317706.
Genomic context (GRCh38, chr22:50,464,890, plus strand): 5'-GCTGCTCTGCCAGTTCCTGGACGTGACGCAGGACACGCTGGGGGTGGTTCTCATCCGCCC[G>A]CATCCTTGCCACCTCGTGGGCCACCAGCTAGCGGGGTAAGCAGGAGGTTAGGTAAGCCAT-3'
Protein context (NP_002963.2, residues 444-464): ELVAHEVARM[Arg454Trp]ADENHPQRVL

ClinVar aggregate classification (germline): Uncertain significance (1 of 4 stars; one submission).

Allele frequency attached by ClinVar (database versions not stated): ExAC 0.00002; gnomAD 0.00003; TOPMed 0.00003.
gnomAD v4.1: 28 of 1,613,586 alleles (0.0017%); highest among the groups gnomAD compares: Admixed American, 0.018%; 1 homozygote.

Submission:

Labcorp Genetics (formerly Invitae), Labcorp
Classification: Uncertain significance. Last evaluated: 2022-07-17. Review status: criteria provided, single submitter. Criteria: Invitae Variant Classification Sherloc (09022015). Collection method: clinical testing. Allele origin: germline.
Comment: This sequence change replaces arginine, which is basic and polar, with tryptophan, which is neutral and slightly polar, at codon 454 of the SBF1 protein (p.Arg454Trp). This variant is present in population databases (rs201158908, gnomAD 0.02%). This variant has not been reported in the literature in individuals affected with SBF1-related conditions. Algorithms developed to predict the effect of missense changes on protein structure and function are either unavailable or do not agree on the potential impact of this missense change (SIFT: "Deleterious"; PolyPhen-2: "Probably Damaging"; Align-GVGD: "Class C0"). In summary, the available evidence is currently insufficient to determine the role of this variant in disease. Therefore, it has been classified as a Variant of Uncertain Significance.